The following is an entry in ClinVar:

ClinVar aggregate classification (germline): Pathogenic (1 of 4 stars; one submission).

Submission:

Labcorp Genetics (formerly Invitae), Labcorp
Classification: Pathogenic. Last evaluated: 2023-11-08. Review status: criteria provided, single submitter. Criteria: Invitae Variant Classification Sherloc (09022015). Collection method: clinical testing. Allele origin: germline.
Comment: This sequence change creates a premature translational stop signal (p.Met317Trpfs*3) in the MUT gene. It is expected to result in an absent or disrupted protein product. Loss-of-function variants in MUT are known to be pathogenic (PMID: 15781192). This variant is not present in population databases (gnomAD no frequency). This variant has not been reported in the literature in individuals affected with MUT-related conditions. For these reasons, this variant has been classified as Pathogenic.

Literature cited by the submitters: PubMed 15781192.

NM_000255.4(MMUT):c.949del (p.Met317fs)

Gene: MMUT (methylmalonyl-CoA mutase; minus strand). Cytogenetic location: 6p12.3.
Variant type: Deletion.
Coding change: c.949del on transcript NM_000255.4 (MANE Select); coding-DNA position 949, one base deleted (A; older notation c.949delA).
Protein change: p.Met317fs; shifts the reading frame from methionine 317.
Molecular consequence: frameshift variant.
Genome position (GRCh38, 1-based): chr6:49,453,719, T deleted on the plus strand (A on the coding strand, the reverse complement: MMUT is on the minus strand). VCF-style (leftmost placement, unchanged base first): chr6-49453718-AT-A. GRCh37 (hg19) VCF-style: chr6-49421431-AT-A.
Other names: short protein forms M317fs.
Identifiers: ClinVar variation 2694382 (VCV002694382.3), dbSNP rs2481339188, ClinGen allele CA2697553436.